The following is an entry in ClinVar:

ClinVar aggregate classification (germline): Conflicting classifications of pathogenicity. Review status: criteria provided, conflicting classifications (1 of 4 stars). 5 submissions from 5 submitters: Uncertain significance (4); Likely benign (1). Last evaluated 2026-05-07.

Conditions:
TTN-related disorder. Also called: TTN-related condition; TTN-related disease; TTN-related disorders.
Cardiovascular phenotype. Identifiers: MedGen CN230736.
Myopathy, myofibrillar, 9, with early respiratory failure (MFM9). Also called: Hereditary myopathy with early respiratory failure; EDSTROM MYOPATHY; MYOPATHY, PROXIMAL, WITH EARLY RESPIRATORY MUSCLE INVOLVEMENT; Myopathy, distal, with early respiratory failure, autosomal dominant. Identifiers: Orphanet 178464, Orphanet 34521, MedGen C1863599, MONDO:0011362, OMIM 603689.
Autosomal recessive limb-girdle muscular dystrophy type 2J (LGMDR10). Also called: Limb-girdle muscular dystrophy, type 2J; MUSCULAR DYSTROPHY, LIMB-GIRDLE, AUTOSOMAL RECESSIVE 10. Identifiers: Orphanet 140922, MedGen C1837342, MONDO:0012127, OMIM 608807.
Early-onset myopathy with fatal cardiomyopathy (CMYO5). Also called: Salih Myopathy; CONGENITAL MYOPATHY 5 WITH CARDIOMYOPATHY. Identifiers: Orphanet 289377, MedGen C2673677, MONDO:0012714, OMIM 611705. Disease mechanism: loss of function.
Hypertrophic cardiomyopathy 9. Also called: Familial hypertrophic cardiomyopathy 9. Identifiers: MedGen C1861065, MONDO:0013412, OMIM 613765.
Dilated cardiomyopathy 1G (CMD1G). Identifiers: Orphanet 154, MedGen C1858763, MONDO:0011400, OMIM 604145.
Tibial muscular dystrophy (TMD). Also called: Tibial muscular dystrophy, tardive; UDD MYOPATHY; Udd Distal Myopathy – Tibial Muscular Dystrophy. Identifiers: Orphanet 609, MedGen C1838244, MONDO:0010870, OMIM 600334.

Allele frequency attached by ClinVar (database versions not stated): ExAC 0.00002; gnomAD 0.00003 and 0.00004; TOPMed 0.00006; ESP Exome Variant Server 0.00025.
gnomAD v4.1: 12 of 1,524,202 alleles (0.00079%); highest among the groups gnomAD compares: African/African-American, 0.017%; no homozygotes.

Submissions (5):

PreventionGenetics, part of Exact Sciences
Classification: Uncertain significance for TTN-related condition. Last evaluated: 2026-05-07. Review status: criteria provided, single submitter. Criteria: ACMG Guidelines, 2015. Collection method: clinical testing. Allele origin: germline.
Comment: The TTN c.63181C>T variant is predicted to result in the amino acid substitution p.Pro21061Ser. To our knowledge, this variant has not been reported in the literature. This variant is reported in 0.017% of alleles in individuals of African descent in gnomAD. At this time, the clinical significance of this variant is uncertain due to the absence of conclusive functional and genetic evidence.

Revvity Omics, Revvity
Classification: Uncertain significance. Last evaluated: 2021-06-21. Review status: criteria provided, single submitter. Criteria: ACMG Guidelines, 2015. Collection method: clinical testing. Allele origin: germline.

Ambry Genetics
Classification: Likely benign for Cardiovascular phenotype. Last evaluated: 2020-03-23. Review status: criteria provided, single submitter. Criteria: Ambry Variant Classification Scheme 2023. Collection method: clinical testing. Allele origin: germline.

Fulgent Genetics
Classification: Uncertain significance for Tibial muscular dystrophy; Myopathy, myofibrillar, 9, with early respiratory failure; Dilated cardiomyopathy 1G; Autosomal recessive limb-girdle muscular dystrophy type 2J; Early-onset myopathy with fatal cardiomyopathy; Hypertrophic cardiomyopathy 9. Last evaluated: 2018-10-31. Review status: criteria provided, single submitter. Criteria: ACMG Guidelines, 2015. Collection method: clinical testing. Allele origin: unknown.

Laboratory for Molecular Medicine, Mass General Brigham Personalized Medicine
Classification: Uncertain significance. Last evaluated: 2013-03-06. Review status: criteria provided, single submitter. Criteria: LMM Criteria. Collection method: clinical testing. Allele origin: germline. Observed: 1 variant allele.
Comment: The Pro18493Ser variant in TTN has not been reported in the literature nor previ ously identified by our laboratory. This variant has been identified in 3/3726 A frican American chromosomes from a broad population by the NHLBI Exome Sequencin g Project. Computational analyses (biochemic al amino acid properties, conservation, AlignGVGD, PolyPhen2, and SIFT) suggest that the Pro18493Ser variant may impact the protein, though this information is not predictive enough to determine pathogenicity. In summary, additional informa tion is needed to fully assess the clinical significance of the Pro18493Ser vari ant.

NM_001267550.2(TTN):c.63181C>T (p.Pro21061Ser)

Genes: TTN (titin; minus strand), TTN-AS1 (TTN antisense RNA 1; plus strand). Cytogenetic location: 2q31.2.
Variant type: single nucleotide variant.
Coding change: c.63181C>T on transcript NM_001267550.2 (MANE Select); coding-DNA position 63181, C replaced by T.
Protein change: p.Pro21061Ser; replaces proline 21061 with serine.
Molecular consequence: missense variant.
Genome position (GRCh38, 1-based): chr2:178,588,544, G>A on the plus strand (C>T on the coding strand, the complement: TTN is on the minus strand). VCF-style: chr2-178588544-G-A. GRCh37 (hg19) VCF-style: chr2-179453271-G-A.
Other names: c.35986C>T, p.Pro11996Ser (NM_003319.4); c.55477C>T, p.Pro18493Ser (NM_133378.4); c.58258C>T, p.Pro19420Ser (NM_001256850.1); c.36361C>T, p.Pro12121Ser (NM_133432.3); c.36562C>T, p.Pro12188Ser (NM_133437.4); short protein forms P21061S, P18493S, P11996S, P12188S, P12121S, P19420S.
Identifiers: ClinVar variation 47192 (VCV000047192.14), dbSNP rs375401971, ClinGen allele CA140272.